The following is an entry in ClinVar:

NM_002742.3(PRKD1):c.1495G>A (p.Val499Ile)

Gene: PRKD1 (protein kinase D1; minus strand). Cytogenetic location: 14q12.
Variant type: single nucleotide variant.
Coding change: c.1495G>A on transcript NM_002742.3 (MANE Select); coding-DNA position 1495, G replaced by A.
Protein change: p.Val499Ile; replaces valine 499 with isoleucine.
Molecular consequence: missense variant.
Genome position (GRCh38, 1-based): chr14:29,630,919, C>T on the plus strand (G>A on the coding strand, the complement: PRKD1 is on the minus strand). VCF-style: chr14-29630919-C-T. GRCh37 (hg19) VCF-style: chr14-30100125-C-T.
Other names: c.1519G>A, p.Val507Ile (NM_001330069.2); c.1231G>A, p.Val411Ile (NM_001348390.1); short protein forms V411I, V499I, V507I.
Identifiers: ClinVar variation 3896599 (VCV003896599.2).

ClinVar aggregate classification (germline): Uncertain significance (1 of 4 stars; one submission).

gnomAD v4.1: 20 of 1,614,104 alleles (0.0012%); highest among the groups gnomAD compares: Non-Finnish European, 0.0017%; no homozygotes.

Submission:

Women's Health and Genetics/Laboratory Corporation of America, LabCorp
Classification: Uncertain significance. Last evaluated: 2025-04-28. Review status: criteria provided, single submitter. Criteria: LabCorp Variant Classification Summary - May 2015. Collection method: clinical testing. Allele origin: germline.
Comment: Variant summary: PRKD1 c.1495G>A (p.Val499Ile) results in a conservative amino acid change in the encoded protein sequence. Five of five in-silico tools predict a benign effect of the variant on protein function. The variant was absent in 251186 control chromosomes. The available data on variant occurrences in the general population are insufficient to allow any conclusion about variant significance. To our knowledge, no occurrence of c.1495G>A in individuals affected with Congenital Heart Defects And Ectodermal Dysplasia and no experimental evidence demonstrating its impact on protein function have been reported. No submitters have cited clinical-significance assessments for this variant to ClinVar. Based on the evidence outlined above, the variant was classified as uncertain significance.